The following is an entry in ClinVar:

ClinVar aggregate classification (germline): Uncertain significance (1 of 4 stars; one submission).

Conditions:
MAGEL2-related disorder. Also called: MAGEL2-related condition.

gnomAD v4.1: 1 of 1,549,298 alleles (0.000065%); highest among the groups gnomAD compares: Non-Finnish European, 0.000087%; no homozygotes.

Submission:

PreventionGenetics, part of Exact Sciences
Classification: Uncertain significance for MAGEL2-related condition. Last evaluated: 2023-08-17. Review status: criteria provided, single submitter. Criteria: ACMG Guidelines, 2015. Collection method: clinical testing. Allele origin: germline.
Comment: The MAGEL2 c.1727C>T variant is predicted to result in the amino acid substitution p.Ala576Val. To our knowledge, this variant has not been reported in the literature or in a large population database, indicating this variant is rare. At this time, the clinical significance of this variant is uncertain due to the absence of conclusive functional and genetic evidence.

NM_019066.5(MAGEL2):c.1727C>T (p.Ala576Val)

Gene: MAGEL2 (MAGE family member L2; minus strand). Cytogenetic location: 15q11.2.
Variant type: single nucleotide variant.
Coding change: c.1727C>T on transcript NM_019066.5 (MANE Select); coding-DNA position 1727, C replaced by T.
Protein change: p.Ala576Val; replaces alanine 576 with valine.
Molecular consequence: missense variant.
Genome position (GRCh38, 1-based): chr15:23,646,016, G>A on the plus strand (C>T on the coding strand, the complement: MAGEL2 is on the minus strand). VCF-style: chr15-23646016-G-A. GRCh37 (hg19) VCF-style: chr15-23891163-G-A.
Other names: short protein forms A576V.
Identifiers: ClinVar variation 2633202 (VCV002633202.1), dbSNP rs370225600, ClinGen allele CA267660147.
Genomic context (GRCh38, chr15:23,646,016, plus strand): 5'-ACCGGGGGCTGACCTTTGGGGGCCTGCCAGATGATGGAAGGGCAGTGCACAGCCTGCGGG[G>A]CAGACAGTGGGGCAGACAGCGGGGCCGGCAGCACAGGCTGGGGCACCTGCGGGCCAGCGG-3'
Protein context (NP_061939.3, residues 566-586): LPAPLSAPLS[Ala576Val]PQAVHCPSII